The following is an entry in ClinVar:

ClinVar aggregate classification (germline): Uncertain significance. Review status: criteria provided, multiple submitters, no conflicts (2 of 4 stars). 6 submissions from 6 submitters: Uncertain significance (6). Last evaluated 2024-12-26.

Conditions:
Cardiovascular phenotype. Identifiers: MedGen CN230736.
Familial thoracic aortic aneurysm and aortic dissection (TAAD). Also called: Thoracic aortic aneurysms and dissections. Identifiers: Orphanet 91387, MedGen C4707243, MONDO:0019625.
Loeys-Dietz syndrome 2 (LDS2). Also called: TGFBR2-Related Loeys-Dietz Syndrome; Marfan syndrome, type 2 (formerly); AORTIC ANEURYSM, FAMILIAL THORACIC 3; MARFAN SYNDROME, TYPE II; Marfan Syndrome type 2; Marfan like connective tissue disorder. Identifiers: Orphanet 284973, Orphanet 558, MedGen C2674574, MONDO:0012427, OMIM 610168.
Malignant tumor of esophagus. Also called: Esophageal cancer, somatic; Esophageal cancer. Identifiers: Orphanet 99977, MedGen C0546837, MONDO:0007576, OMIM 133239.
Colorectal cancer, hereditary nonpolyposis, type 6. Also called: Colon cancer, hereditary nonpolyposis, type 6; Colon cancer, hereditary nonpolyposis, type 6, somatic. Identifiers: Orphanet 144, MedGen C1860896, MONDO:0013695, OMIM 614331.

Allele frequency attached by ClinVar (database versions not stated): gnomAD 0.00001; TOPMed 0.00001; ExAC 0.00002; gnomAD exomes 0.00002; ESP Exome Variant Server 0.00008.
gnomAD v4.1: 32 of 1,613,476 alleles (0.002%); highest among the groups gnomAD compares: South Asian, 0.0077%; no homozygotes.

Submissions (6):

Labcorp Genetics (formerly Invitae), Labcorp
Classification: Uncertain significance for Familial thoracic aortic aneurysm and aortic dissection. Last evaluated: 2024-12-26. Review status: criteria provided, single submitter. Criteria: Invitae Variant Classification Sherloc (09022015). Collection method: clinical testing. Allele origin: germline.
Comment: This sequence change replaces isoleucine, which is neutral and non-polar, with valine, which is neutral and non-polar, at codon 385 of the TGFBR2 protein (p.Ile385Val). This variant is present in population databases (rs137908708, gnomAD 0.01%). This variant has not been reported in the literature in individuals affected with TGFBR2-related conditions. ClinVar contains an entry for this variant (Variation ID: 263878). Invitae Evidence Modeling of protein sequence and biophysical properties (such as structural, functional, and spatial information, amino acid conservation, physicochemical variation, residue mobility, and thermodynamic stability) indicates that this missense variant is not expected to disrupt TGFBR2 protein function with a negative predictive value of 95%. In summary, the available evidence is currently insufficient to determine the role of this variant in disease. Therefore, it has been classified as a Variant of Uncertain Significance.

All of Us Research Program, National Institutes of Health
Classification: Uncertain significance for Loeys-Dietz syndrome 2. Last evaluated: 2023-12-13. Review status: criteria provided, single submitter. Criteria: ACMG Guidelines, 2015. Collection method: clinical testing. Allele origin: germline. Inheritance: Autosomal dominant inheritance. Observed: 4 variant alleles, 4 heterozygotes.
Comment: This missense variant replaces isoleucine with valine at codon 385 of the TGFBR2 protein. Computational prediction suggests that this variant may have deleterious impact on protein structure and function (internally defined REVEL score threshold >= 0.7, PMID: 27666373). To our knowledge, functional studies have not been reported for this variant. This variant has not been reported in individuals affected with cardiovascular disorders in the literature. This variant has been identified in 5/250320 chromosomes in the general population by the Genome Aggregation Database (gnomAD). The available evidence is insufficient to determine the role of this variant in disease conclusively. Therefore, this variant is classified as a Variant of Uncertain Significance.

This study involves interpretation of variants in research participants for the purpose of population health screening. Participant phenotype was not available at the time of variant classification. Additional details can be found in publication PMID: 35346344, PMCID: PMC8962531

Color Diagnostics, LLC DBA Color Health
Classification: Uncertain significance for Familial thoracic aortic aneurysm and aortic dissection. Last evaluated: 2023-03-20. Review status: criteria provided, single submitter. Criteria: ACMG Guidelines, 2015. Collection method: clinical testing. Allele origin: germline.
Comment: This missense variant replaces isoleucine with valine at codon 385 of the TGFBR2 protein. Computational prediction suggests that this variant may have deleterious impact on protein structure and function (internally defined REVEL score threshold >= 0.7, PMID: 27666373). To our knowledge, functional studies have not been reported for this variant. This variant has not been reported in individuals affected with cardiovascular disorders in the literature. This variant has been identified in 5/250320 chromosomes in the general population by the Genome Aggregation Database (gnomAD). The available evidence is insufficient to determine the role of this variant in disease conclusively. Therefore, this variant is classified as a Variant of Uncertain Significance.

GeneDx
Classification: Uncertain significance. Last evaluated: 2022-06-08. Review status: criteria provided, single submitter. Criteria: GeneDx Variant Classification Process June 2021. Collection method: clinical testing. Allele origin: germline. Affected: yes.
Comment: Has not been previously published as pathogenic or benign to our knowledge; Not observed at significant frequency in large population cohorts (gnomAD); In silico analysis supports that this missense variant does not alter protein structure/function

Fulgent Genetics
Classification: Uncertain significance for Malignant tumor of esophagus; Loeys-Dietz syndrome 2; Colorectal cancer, hereditary nonpolyposis, type 6. Last evaluated: 2021-11-09. Review status: criteria provided, single submitter. Criteria: ACMG Guidelines, 2015. Collection method: clinical testing. Allele origin: unknown.

Ambry Genetics
Classification: Uncertain significance for Cardiovascular phenotype. Last evaluated: 2014-11-21. Review status: criteria provided, single submitter. Criteria: Ambry Autosomal Dominant and X-Linked criteria (10/2015). Collection method: clinical testing. Allele origin: germline. Observed: 1 variant allele.
Comment: There is insufficient or conflicting evidence for classification of this alteration.

NM_003242.6(TGFBR2):c.1153A>G (p.Ile385Val)

Gene: TGFBR2 (transforming growth factor beta receptor 2; plus strand). Cytogenetic location: 3p24.1.
Variant type: single nucleotide variant.
Coding change: c.1153A>G on transcript NM_003242.6 (MANE Select); coding-DNA position 1153, A replaced by G.
Protein change: p.Ile385Val; replaces isoleucine 385 with valine.
Molecular consequence: missense variant.
Genome position (GRCh38, 1-based): chr3:30,672,336, A>G. VCF-style: chr3-30672336-A-G. GRCh37 (hg19) VCF-style: chr3-30713828-A-G.
Other names: c.1228A>G, p.Ile410Val (NM_001024847.3); c.1336A>G, p.Ile446Val (NM_001407126.1); c.1261A>G, p.Ile421Val (NM_001407127.1); c.1180A>G, p.Ile394Val (NM_001407128.1); c.1156A>G, p.Ile386Val (NM_001407129.1); c.1153A>G, p.Ile385Val (NM_001407130.1); c.1048A>G, p.Ile350Val (NM_001407132.1, NM_001407133.1, NM_001407134.1 and 2 more transcripts); c.868A>G, p.Ile290Val (NM_001407137.1); and 1 more; short protein forms I385V, I410V, I421V, I265V, I290V, I350V, I386V, I394V.
Identifiers: ClinVar variation 263878 (VCV000263878.17), dbSNP rs137908708, ClinGen allele CA045783.